The following is an entry in ClinVar:

NM_001101426.4(CRPPA):c.360C>T (p.Val120=)

Gene: CRPPA (CDP-L-ribitol pyrophosphorylase A; minus strand). Cytogenetic location: 7p21.2.
Variant type: single nucleotide variant.
Coding change: c.360C>T on transcript NM_001101426.4 (MANE Select); coding-DNA position 360, C replaced by T.
Protein change: p.Val120=; no amino-acid change (valine 120 retained).
Molecular consequence: synonymous variant. On other transcripts: non-coding transcript variant (1).
Genome position (GRCh38, 1-based): chr7:16,406,235, G>A on the plus strand (C>T on the coding strand, the complement: CRPPA is on the minus strand). VCF-style: chr7-16406235-G-A. GRCh37 (hg19) VCF-style: chr7-16445860-G-A.
Other names: c.360C>T, p.Val120= (NM_001101417.4, NM_001368197.1).
Identifiers: ClinVar variation 288817 (VCV000288817.24), dbSNP rs183141256, ClinGen allele CA4169625.

ClinVar aggregate classification (germline): Conflicting classifications of pathogenicity. Review status: criteria provided, conflicting classifications (1 of 4 stars). 6 submissions from 6 submitters: Uncertain significance (1); Benign (1); Likely benign (4). Last evaluated 2026-09-01.

Conditions:
Congenital Muscular Dystrophy, alpha-dystroglycan related.
Autosomal recessive limb-girdle muscular dystrophy type 2U. Also called: MUSCULAR DYSTROPHY, LIMB-GIRDLE, TYPE 2U; Muscular dystrophy-dystroglycanopathy (limb-girdle), type c, 7. Identifiers: Orphanet 352479, MedGen C5190987, MONDO:0014474, OMIM 616052.
Muscular dystrophy-dystroglycanopathy (congenital with brain and eye anomalies), type A, 7. Also called: WALKER-WARBURG SYNDROME OR MUSCLE-EYE-BRAIN DISEASE, ISPD-RELATED; Congenital muscular dystrophy-dystroglycanopathy with brain and eye anomalies, type A7. Identifiers: Orphanet 899, MedGen C3553330, MONDO:0013835, OMIM 614643.

Allele frequency attached by ClinVar (database versions not stated): ESP Exome Variant Server 0.00058; TOPMed 0.00122; 1000 Genomes Project 30x 0.00125; 1000 Genomes Project 0.00160.
gnomAD v4.1: 269 of 1,613,780 alleles (0.017%); highest among the groups gnomAD compares: African/African-American, 0.32%; no homozygotes.

Submissions (6):

CeGaT Center for Human Genetics Tuebingen
Classification: Likely benign. Last evaluated: 2026-09-01. Review status: criteria provided, single submitter. Criteria: CeGaT Center For Human Genetics Tuebingen Variant Classification Criteria Version 2. Collection method: clinical testing. Allele origin: germline. Affected: yes. Observed: 1 variant allele.
Comment: CRPPA: BP4, BP7

Labcorp Genetics (formerly Invitae), Labcorp
Classification: Benign for Muscular dystrophy-dystroglycanopathy (congenital with brain and eye anomalies), type A, 7; Autosomal recessive limb-girdle muscular dystrophy type 2U. Last evaluated: 2026-01-04. Review status: criteria provided, single submitter. Criteria: Invitae Variant Classification Sherloc (09022015). Collection method: clinical testing. Allele origin: germline.

Blueprint Genetics
Classification: Likely benign. Last evaluated: 2024-11-26. Review status: criteria provided, single submitter. Criteria: ACMG Guidelines, 2015. Collection method: clinical testing. Allele origin: germline.

GeneDx
Classification: Likely benign. Last evaluated: 2020-06-08. Review status: criteria provided, single submitter. Criteria: GeneDx Variant Classification Process June 2021. Collection method: clinical testing. Allele origin: germline. Affected: yes.

Illumina Laboratory Services, Illumina
Classification: Uncertain significance for Congenital Muscular Dystrophy, alpha-dystroglycan related. Last evaluated: 2018-01-12. Review status: criteria provided, single submitter. Criteria: ICSL Variant Classification Criteria 13 December 2019. Collection method: clinical testing. Allele origin: germline.

Eurofins Ntd Llc (ga)
Classification: Likely benign. Last evaluated: 2016-06-16. Review status: criteria provided, single submitter. Criteria: EGL Classification Definitions 2015. Collection method: clinical testing. Allele origin: germline. Observed: 2 variant alleles, 2 heterozygotes.